The following is an entry in ClinVar:

ClinVar aggregate classification (germline): Likely benign (0 of 4 stars; one submission).

Conditions:
OSMR-related disorder. Also called: OSMR-related condition.

Allele frequency attached by ClinVar (database versions not stated): gnomAD 0.00005; TOPMed 0.00009; ExAC 0.00012.
gnomAD v4.1: 89 of 1,613,930 alleles (0.0055%); highest among the groups gnomAD compares: South Asian, 0.023%; 1 homozygote.

Submission:

PreventionGenetics, part of Exact Sciences
Classification: Likely benign for OSMR-related condition. Last evaluated: 2019-06-05. Review status: no assertion criteria provided. Collection method: clinical testing. Allele origin: germline.
Comment: This variant is classified as likely benign based on ACMG/AMP sequence variant interpretation guidelines (Richards et al. 2015 PMID: 25741868, with internal and published modifications).

NM_003999.3(OSMR):c.1707C>T (p.Leu569=)

Gene: OSMR (oncostatin M receptor; plus strand). Cytogenetic location: 5p13.1.
Variant type: single nucleotide variant.
Coding change: c.1707C>T on transcript NM_003999.3 (MANE Select); coding-DNA position 1707, C replaced by T.
Protein change: p.Leu569=; no amino-acid change (leucine 569 retained).
Molecular consequence: synonymous variant.
Genome position (GRCh38, 1-based): chr5:38,921,736, C>T. VCF-style: chr5-38921736-C-T. GRCh37 (hg19) VCF-style: chr5-38921838-C-T.
Other names: c.1707C>T, p.Leu569= (NM_001323505.2); c.1710C>T, p.Leu570= (NM_001323506.2).
Identifiers: ClinVar variation 3044932 (VCV003044932.2), dbSNP rs756379833, ClinGen allele CA3244140.